The following is an entry in ClinVar:

NM_000219.6(KCNE1):c.271G>C (p.Asp91His)

Gene: KCNE1 (potassium voltage-gated channel subfamily E regulatory subunit 1; minus strand). Cytogenetic location: 21q22.12.
Variant type: single nucleotide variant.
Coding change: c.271G>C on transcript NM_000219.6 (MANE Select); coding-DNA position 271, G replaced by C.
Protein change: p.Asp91His; replaces aspartic acid 91 with histidine.
Molecular consequence: missense variant.
Genome position (GRCh38, 1-based): chr21:34,449,364, C>G on the plus strand (G>C on the coding strand, the complement: KCNE1 is on the minus strand). VCF-style: chr21-34449364-C-G. GRCh37 (hg19) VCF-style: chr21-35821662-C-G.
Other names: c.271G>C, p.Asp91His (NM_001127668.4, NM_001127669.4, NM_001127670.4 and 4 more transcripts); short protein forms D91H.
Identifiers: ClinVar variation 3374494 (VCV003374494.2).

Conditions:
Long QT syndrome 5 (LQT5). Identifiers: Orphanet 101016, Orphanet 768, MedGen C1867904, MONDO:0013372, OMIM 613695.

Submission:

Roden Lab, Vanderbilt University Medical Center
No classification provided (evidence only). Condition: Long QT syndrome 5. Review status: no classification provided. Collection method: in vitro. Allele origin: not applicable. Functional consequence: Effect on ion channel function.
ClinVar note: "not provided" was previously submitted as the classification for the variant. However, the classification appeared to be based only on an observation of functional data so it was converted to no classification on 2025-07-30.